The following is an entry in ClinVar:

NM_020877.5(DNAH2):c.492G>A (p.Arg164=)

Gene: DNAH2 (dynein axonemal heavy chain 2; plus strand). Cytogenetic location: 17p13.1.
Variant type: single nucleotide variant.
Coding change: c.492G>A on transcript NM_020877.5 (MANE Select); coding-DNA position 492, G replaced by A.
Protein change: p.Arg164=; no amino-acid change (arginine 164 retained).
Molecular consequence: synonymous variant.
Genome position (GRCh38, 1-based): chr17:7,733,179, G>A. VCF-style: chr17-7733179-G-A. GRCh37 (hg19) VCF-style: chr17-7636497-G-A.
Other names: c.492G>A, p.Arg164= (NM_001303270.2); c.492G>A (NM_020877.3).
Identifiers: ClinVar variation 402716 (VCV000402716.7), dbSNP rs117035657, ClinGen allele CA8355868.

ClinVar aggregate classification (germline): Likely benign. Review status: criteria provided, multiple submitters, no conflicts (2 of 4 stars). 3 submissions from 3 submitters: Likely benign (2). 1 of the submissions does not count toward it. Last evaluated 2016-03-29.

Conditions:
DNAH2-related disorder. Also called: DNAH2-related condition.

Allele frequency attached by ClinVar (database versions not stated): ExAC 0.01198; 1000 Genomes Project 0.00459; 1000 Genomes Project 30x 0.00468; TOPMed 0.00716; ESP Exome Variant Server 0.00807; gnomAD 0.00846 and 0.00887; gnomAD exomes 0.01034 and 0.01128.
gnomAD v4.1: 17,651 of 1,614,168 alleles (1.1%); highest among the groups gnomAD compares: Non-Finnish European, 1.3%; 135 homozygotes.

Submissions (3):

Laboratory for Molecular Medicine, Mass General Brigham Personalized Medicine
Classification: Likely benign. Last evaluated: 2016-03-29. Review status: criteria provided, single submitter. Criteria: LMM Criteria. Collection method: clinical testing. Allele origin: germline.
Comment: Variant identified in a genome or exome case(s) and assessed due to predicted null impact of the variant or pathogenic assertions in the literature or databases. Disclaimer: This variant has not undergone full assessment. The following are preliminary notes: Frequency, silent variant not near splice site

Breakthrough Genomics
Classification: Likely benign. Review status: criteria provided, single submitter. Criteria: ACMG Guidelines, 2015. Collection method: not provided. Allele origin: germline. Inheritance: Autosomal recessive inheritance. Affected: yes.

PreventionGenetics, part of Exact Sciences
Classification: Benign for DNAH2-related condition. Last evaluated: 2019-03-25. Review status: no assertion criteria provided. Collection method: clinical testing. Allele origin: germline. Not counted in ClinVar's aggregate classification.
Comment: This variant is classified as benign based on ACMG/AMP sequence variant interpretation guidelines (Richards et al. 2015 PMID: 25741868, with internal and published modifications).